The following is an entry in ClinVar:

NM_006073.4(TRDN):c.464A>G (p.Glu155Gly)

Gene: TRDN (triadin; minus strand). Cytogenetic location: 6q22.31.
Variant type: single nucleotide variant.
Coding change: c.464A>G on transcript NM_006073.4 (MANE Select); coding-DNA position 464, A replaced by G.
Protein change: p.Glu155Gly; replaces glutamic acid 155 with glycine.
Molecular consequence: missense variant.
Genome position (GRCh38, 1-based): chr6:123,530,526, T>C on the plus strand (A>G on the coding strand, the complement: TRDN is on the minus strand). VCF-style: chr6-123530526-T-C. GRCh37 (hg19) VCF-style: chr6-123851671-T-C.
Other names: c.464A>G, p.Glu155Gly (NM_001251987.2, NM_001256020.2, NM_001256021.2 and 2 more transcripts); short protein forms E155G.
Identifiers: ClinVar variation 2625267 (VCV002625267.2), dbSNP rs1780195249, ClinGen allele CA365568435.
Genomic context (GRCh38, chr6:123,530,526, plus strand): 5'-TATATCTAAATGAAGAATAAACATAAAATGAAATGTTTACCTTTAGTTTGTATTTTCCTT[T>C]CAGGTTTCTCTTGTTTTTCAGTCTTATCTTTGTGTATTTCTAAGAAAAAATAGAATTTAT-3'
Protein context (NP_006064.2, residues 145-165): KDKTEKQEKP[Glu155Gly]RKIQTKVTHK

ClinVar aggregate classification (germline): Uncertain significance (1 of 4 stars; one submission).

Conditions:
Cardiovascular phenotype. Identifiers: MedGen CN230736.

Submission:

Ambry Genetics
Classification: Uncertain significance for Cardiovascular phenotype. Last evaluated: 2023-08-29. Review status: criteria provided, single submitter. Criteria: Ambry Variant Classification Scheme 2023. Collection method: clinical testing. Allele origin: germline.
Comment: The p.E155G variant (also known as c.464A>G), located in coding exon 5 of the TRDN gene, results from an A to G substitution at nucleotide position 464. The glutamic acid at codon 155 is replaced by glycine, an amino acid with similar properties. This amino acid position is conserved. In addition, the in silico prediction for this alteration is inconclusive. Since supporting evidence is limited at this time, the clinical significance of this alteration remains unclear.